The following is an entry in ClinVar:

NM_206937.2(LIG4):c.1625C>T (p.Thr542Ile)

Gene: LIG4 (DNA ligase 4; minus strand). Cytogenetic location: 13q33.3.
Variant type: single nucleotide variant.
Coding change: c.1625C>T on transcript NM_206937.2 (MANE Select); coding-DNA position 1625, C replaced by T.
Protein change: p.Thr542Ile; replaces threonine 542 with isoleucine.
Molecular consequence: missense variant.
Genome position (GRCh38, 1-based): chr13:108,209,644, G>A on the plus strand (C>T on the coding strand, the complement: LIG4 is on the minus strand). VCF-style: chr13-108209644-G-A. GRCh37 (hg19) VCF-style: chr13-108861992-G-A.
Other names: c.1625C>T, p.Thr542Ile (NM_001098268.2, NM_001352598.2, NM_001352599.2 and 6 more transcripts); c.1424C>T, p.Thr475Ile (NM_001330595.2); c.1661C>T, p.Thr554Ile (NM_001352604.2); short protein forms T554I, T475I, T542I.
Identifiers: ClinVar variation 1902840 (VCV001902840.2), dbSNP rs2501596839, ClinGen allele CA388616623.

ClinVar aggregate classification (germline): Uncertain significance (1 of 4 stars; one submission).

Conditions:
DNA ligase IV deficiency. Identifiers: Orphanet 99812, MedGen C1847827, MONDO:0011686, OMIM 606593.

Allele frequency attached by ClinVar (database versions not stated): gnomAD exomes below 0.00001.

Submission:

Labcorp Genetics (formerly Invitae), Labcorp
Classification: Uncertain significance for DNA ligase IV deficiency. Last evaluated: 2022-02-11. Review status: criteria provided, single submitter. Criteria: Invitae Variant Classification Sherloc (09022015). Collection method: clinical testing. Allele origin: germline.
Comment: This sequence change replaces threonine, which is neutral and polar, with isoleucine, which is neutral and non-polar, at codon 542 of the LIG4 protein (p.Thr542Ile). This variant is not present in population databases (gnomAD no frequency). This variant has not been reported in the literature in individuals affected with LIG4-related conditions. Algorithms developed to predict the effect of missense changes on protein structure and function output the following: SIFT: "Tolerated"; PolyPhen-2: "Benign"; Align-GVGD: "Class C0". The isoleucine amino acid residue is found in multiple mammalian species, which suggests that this missense change does not adversely affect protein function. In summary, the available evidence is currently insufficient to determine the role of this variant in disease. Therefore, it has been classified as a Variant of Uncertain Significance.